The following is an entry in ClinVar:

NM_017780.4(CHD7):c.8875G>A (p.Glu2959Lys)

Gene: CHD7 (chromodomain helicase DNA binding protein 7; plus strand). Cytogenetic location: 8q12.2.
Variant type: single nucleotide variant.
Coding change: c.8875G>A on transcript NM_017780.4 (MANE Select); coding-DNA position 8875, G replaced by A.
Protein change: p.Glu2959Lys; replaces glutamic acid 2959 with lysine.
Molecular consequence: missense variant.
Genome position (GRCh38, 1-based): chr8:60,865,814, G>A. VCF-style: chr8-60865814-G-A. GRCh37 (hg19) VCF-style: chr8-61778373-G-A.
Other names: c.2728G>A, p.Glu910Lys (NM_001316690.1); short protein forms E2959K, E910K.
Identifiers: ClinVar variation 2703452 (VCV002703452.4), dbSNP rs774166245, ClinGen allele CA4761087.
Genomic context (GRCh38, chr8:60,865,814, plus strand): 5'-GCTGACAAGGCTGAGGGAGGACCCTTTAAAGATGGAGAGACCCTTGAAGGCAGCGATGCC[G>A]AGGAGAGCCTGGATAAGACTGCAGAGTCCTCCCTCTTAGAAGACGAAATAGCACAGGGTG-3'
Protein context (NP_060250.2, residues 2949-2969): DGETLEGSDA[Glu2959Lys]ESLDKTAESS

ClinVar aggregate classification (germline): Uncertain significance. Review status: criteria provided, multiple submitters, no conflicts (2 of 4 stars). 2 submissions from 2 submitters: Uncertain significance (2). Last evaluated 2026-04-21.

Conditions:
CHARGE syndrome (CHARGE). Also called: Hittner Hirsch Kreh syndrome; CHARGE ASSOCIATION--COLOBOMA, HEART ANOMALY, CHOANAL ATRESIA, RETARDATION, GENITAL AND EAR ANOMALIES; Coloboma, heart anomaly, choanal atresia, retardation, genital and ear anomalies; CHARGE association; Hall-Hittner syndrome. Identifiers: Orphanet 138, MedGen C0265354, MONDO:0008965.

Allele frequency attached by ClinVar (database versions not stated): TOPMed below 0.00001; ExAC 0.00001; gnomAD exomes 0.00001.
gnomAD v4.1: 4 of 1,613,978 alleles (0.00025%); highest among the groups gnomAD compares: Non-Finnish European, 0.00034%; no homozygotes.

Submissions (2):

GeneDx
Classification: Uncertain significance. Last evaluated: 2026-04-21. Review status: criteria provided, single submitter. Criteria: GeneDx Variant Classification Process June 2021. Collection method: clinical testing. Allele origin: germline.
Comment: Not observed at significant frequency in large population cohorts (gnomAD); In silico analysis suggests that this missense variant does not alter protein structure/function; Has not been previously published as pathogenic or benign to our knowledge

Labcorp Genetics (formerly Invitae), Labcorp
Classification: Uncertain significance for CHARGE syndrome. Last evaluated: 2025-05-23. Review status: criteria provided, single submitter. Criteria: Invitae Variant Classification Sherloc (09022015). Collection method: clinical testing. Allele origin: germline.
Comment: This sequence change replaces glutamic acid, which is acidic and polar, with lysine, which is basic and polar, at codon 2959 of the CHD7 protein (p.Glu2959Lys). The frequency data for this variant in the population databases is considered unreliable, as metrics indicate poor data quality at this position in the gnomAD database. This variant has not been reported in the literature in individuals affected with CHD7-related conditions. ClinVar contains an entry for this variant (Variation ID: 2703452). Invitae Evidence Modeling of protein sequence and biophysical properties (such as structural, functional, and spatial information, amino acid conservation, physicochemical variation, residue mobility, and thermodynamic stability) has been performed for this missense variant. However, the output from this modeling did not meet the statistical confidence thresholds required to predict the impact of this variant on CHD7 protein function. In summary, the available evidence is currently insufficient to determine the role of this variant in disease. Therefore, it has been classified as a Variant of Uncertain Significance.